The following is an entry in ClinVar:

NM_153717.3(EVC):c.1528G>C (p.Val510Leu)

Gene: EVC (EvC ciliary complex subunit 1; plus strand). Cytogenetic location: 4p16.2.
Variant type: single nucleotide variant.
Coding change: c.1528G>C on transcript NM_153717.3 (MANE Select); coding-DNA position 1528, G replaced by C.
Protein change: p.Val510Leu; replaces valine 510 with leucine.
Molecular consequence: missense variant.
Genome position (GRCh38, 1-based): chr4:5,756,327, G>C. VCF-style: chr4-5756327-G-C. GRCh37 (hg19) VCF-style: chr4-5758054-G-C.
Other names: c.1528G>C, p.Val510Leu (NM_001306090.2, NM_001306092.2); short protein forms V510L.
Identifiers: ClinVar variation 1392394 (VCV001392394.4), dbSNP rs143971158, ClinGen allele CA356157607.
Genomic context (GRCh38, chr4:5,756,327, plus strand): 5'-TTTCATGAGGTCCTGGAGAGGCAGAGGCTGATGCAGTGTGACCTGGAGGAAGAGGAGAAT[G>C]TCAGAGCCACCGAGGCTGTGGTTGCACTCTGCCAGGTACATGGCCTCTGTGGGGACCAGC-3'
Protein context (NP_714928.1, residues 500-520): MQCDLEEEEN[Val510Leu]RATEAVVALC

ClinVar aggregate classification (germline): Uncertain significance (1 of 4 stars; one submission).

Conditions:
Curry-Hall syndrome (WAD). Also called: WEYERS ACRODENTAL DYSOSTOSIS. Identifiers: Orphanet 952, MedGen C0457013, MONDO:0008673, OMIM 193530.
Ellis-van Creveld syndrome (EVC). Also called: EVC-Related Ellis-van Creveld Syndrome; EVC2-Related Ellis-van Creveld Syndrome; Chondroectodermal dysplasia; MESOECTODERMAL DYSPLASIA. Identifiers: Orphanet 289, MedGen C0013903, MONDO:0009162, OMIM 225500.

gnomAD v4.1: 8 of 1,612,342 alleles (0.0005%); highest among the groups gnomAD compares: Non-Finnish European, 0.00059%; no homozygotes.

Submission:

Labcorp Genetics (formerly Invitae), Labcorp
Classification: Uncertain significance for Curry-Hall syndrome; Ellis-van Creveld syndrome. Last evaluated: 2021-08-19. Review status: criteria provided, single submitter. Criteria: Invitae Variant Classification Sherloc (09022015). Collection method: clinical testing. Allele origin: germline.
Comment: This sequence change replaces valine with leucine at codon 510 of the EVC protein (p.Val510Leu). The valine residue is weakly conserved and there is a small physicochemical difference between valine and leucine. This variant is not present in population databases (ExAC no frequency). This variant has not been reported in the literature in individuals affected with EVC-related conditions. Algorithms developed to predict the effect of missense changes on protein structure and function (SIFT, PolyPhen-2, Align-GVGD) all suggest that this variant is likely to be tolerated. In summary, the available evidence is currently insufficient to determine the role of this variant in disease. Therefore, it has been classified as a Variant of Uncertain Significance.